The following is an entry in ClinVar:

ClinVar aggregate classification (germline): Uncertain significance (1 of 4 stars; one submission).

Conditions:
Catecholaminergic polymorphic ventricular tachycardia 1. Also called: VENTRICULAR TACHYCARDIA, CATECHOLAMINERGIC POLYMORPHIC, 1, WITH OR WITHOUT ATRIAL DYSFUNCTION AND/OR DILATED CARDIOMYOPATHY; VENTRICULAR TACHYCARDIA, STRESS-INDUCED POLYMORPHIC 1; RYR2-Related Catecholaminergic Polymorphic Ventricular Tachycardia. Identifiers: Orphanet 3286, MedGen C1631597, MONDO:0011484, OMIM 604772.

gnomAD v4.1: 2 of 1,613,186 alleles (0.00012%); highest among the groups gnomAD compares: South Asian, 0.0011%; no homozygotes.

Submission:

Labcorp Genetics (formerly Invitae), Labcorp
Classification: Uncertain significance for Catecholaminergic polymorphic ventricular tachycardia 1. Last evaluated: 2024-04-25. Review status: criteria provided, single submitter. Criteria: Invitae Variant Classification Sherloc (09022015). Collection method: clinical testing. Allele origin: germline.
Comment: This sequence change replaces leucine, which is neutral and non-polar, with phenylalanine, which is neutral and non-polar, at codon 3353 of the RYR2 protein (p.Leu3353Phe). This variant is not present in population databases (gnomAD no frequency). This variant has not been reported in the literature in individuals affected with RYR2-related conditions. Advanced modeling of protein sequence and biophysical properties (such as structural, functional, and spatial information, amino acid conservation, physicochemical variation, residue mobility, and thermodynamic stability) performed at Invitae indicates that this missense variant is not expected to disrupt RYR2 protein function with a negative predictive value of 95%. In summary, the available evidence is currently insufficient to determine the role of this variant in disease. Therefore, it has been classified as a Variant of Uncertain Significance.

NM_001035.3(RYR2):c.10057C>T (p.Leu3353Phe)

Gene: RYR2 (ryanodine receptor 2; plus strand). Cytogenetic location: 1q43.
Variant type: single nucleotide variant.
Coding change: c.10057C>T on transcript NM_001035.3 (MANE Select); coding-DNA position 10057, C replaced by T.
Protein change: p.Leu3353Phe; replaces leucine 3353 with phenylalanine.
Molecular consequence: missense variant.
Genome position (GRCh38, 1-based): chr1:237,709,013, C>T. VCF-style: chr1-237709013-C-T. GRCh37 (hg19) VCF-style: chr1-237872313-C-T.
Other names: short protein forms L3353F.
Identifiers: ClinVar variation 3667760 (VCV003667760.2).